The following is an entry in ClinVar:

ClinVar aggregate classification (germline): Conflicting classifications of pathogenicity. Review status: criteria provided, conflicting classifications (1 of 4 stars). 7 submissions from 7 submitters: Uncertain significance (4); Likely benign (2). 1 of the submissions does not count toward it. Last evaluated 2026-01-26.

Conditions:
SPEG-related disorder. Also called: SPEG-related condition.
Myopathy, centronuclear, 5 (CNM5). Identifiers: Orphanet 169186, MedGen C4014814, MONDO:0014418, OMIM 615959.

Allele frequency attached by ClinVar (database versions not stated): ESP Exome Variant Server 0.00008; TOPMed 0.00033; 1000 Genomes Project 30x 0.00047; 1000 Genomes Project 0.00060; gnomAD 0.00063 and 0.00064; gnomAD exomes 0.00070; ExAC 0.00078.
gnomAD v4.1: 988 of 1,613,488 alleles (0.061%); highest among the groups gnomAD compares: South Asian, 0.083%; 1 homozygote.

Submissions (7):

Labcorp Genetics (formerly Invitae), Labcorp
Classification: Likely benign. Last evaluated: 2026-01-26. Review status: criteria provided, single submitter. Criteria: Invitae Variant Classification Sherloc (09022015). Collection method: clinical testing. Allele origin: germline.

Revvity Omics, Revvity
Classification: Uncertain significance for Myopathy, centronuclear, 5. Last evaluated: 2024-12-02. Review status: criteria provided, single submitter. Criteria: ACMG Guidelines, 2015. Collection method: clinical testing. Allele origin: germline.

Blueprint Genetics
Classification: Likely benign. Last evaluated: 2024-08-23. Review status: criteria provided, single submitter. Criteria: ACMG Guidelines, 2015. Collection method: clinical testing. Allele origin: germline.

GeneDx
Classification: Uncertain significance. Last evaluated: 2019-09-24. Review status: criteria provided, single submitter. Criteria: GeneDx Variant Classification Process June 2021. Collection method: clinical testing. Allele origin: germline. Affected: yes.
Comment: In silico analysis, which includes protein predictors and evolutionary conservation, supports a deleterious effect; Has been previously published as a heterozygous variant in a patient with features of Cornelia deLange syndrome who also harbored a de novo missense variant in the HDAC2 gene (Wagner et al., 2019); This variant is associated with the following publications: (PMID: 30806031)

Centre for Mendelian Genomics, University Medical Centre Ljubljana
Classification: Uncertain significance for Myopathy, centronuclear, 5. Last evaluated: 2019-05-06. Review status: criteria provided, single submitter. Criteria: ACMG Guidelines, 2015. Collection method: clinical testing. Allele origin: unknown. Affected: yes.
Comment: This variant was classified as: Uncertain significance. The available evidence on this variant's pathogenicity is insufficient or conflicting. The following ACMG criteria were applied in classifying this variant: PP3.

Genetic Services Laboratory, University of Chicago
Classification: Uncertain significance. Last evaluated: 2017-11-07. Review status: criteria provided, single submitter. Criteria: ACMG Guidelines, 2015. Collection method: clinical testing. Allele origin: germline. Affected: no.

PreventionGenetics, part of Exact Sciences
Classification: Likely benign for SPEG-related condition. Last evaluated: 2022-11-15. Review status: no assertion criteria provided. Collection method: clinical testing. Allele origin: germline. Not counted in ClinVar's aggregate classification.
Comment: This variant is classified as likely benign based on ACMG/AMP sequence variant interpretation guidelines (Richards et al. 2015 PMID: 25741868, with internal and published modifications).

NM_005876.5(SPEG):c.3700C>T (p.Arg1234Trp)

Gene: SPEG (striated muscle enriched protein kinase; plus strand). Cytogenetic location: 2q35.
Variant type: single nucleotide variant.
Coding change: c.3700C>T on transcript NM_005876.5 (MANE Select); coding-DNA position 3700, C replaced by T.
Protein change: p.Arg1234Trp; replaces arginine 1234 with tryptophan.
Molecular consequence: missense variant.
Genome position (GRCh38, 1-based): chr2:219,469,364, C>T. VCF-style: chr2-219469364-C-T. GRCh37 (hg19) VCF-style: chr2-220334086-C-T.
Other names: short protein forms R1234W.
Identifiers: ClinVar variation 770512 (VCV000770512.24), dbSNP rs55916864, ClinGen allele CA2126242.